The following is an entry in ClinVar:

NM_001267550.2(TTN):c.65534C>T (p.Pro21845Leu)

Genes: TTN (titin; minus strand), TTN-AS1 (TTN antisense RNA 1; plus strand). Cytogenetic location: 2q31.2.
Variant type: single nucleotide variant.
Coding change: c.65534C>T on transcript NM_001267550.2 (MANE Select); coding-DNA position 65534, C replaced by T.
Protein change: p.Pro21845Leu; replaces proline 21845 with leucine.
Molecular consequence: missense variant. On other transcripts: non-coding transcript variant (1).
Genome position (GRCh38, 1-based): chr2:178,583,648, G>A on the plus strand (C>T on the coding strand, the complement: TTN is on the minus strand). VCF-style: chr2-178583648-G-A. GRCh37 (hg19) VCF-style: chr2-179448375-G-A.
Other names: p.P20204L:CCT>CTT; c.38714C>T, p.Pro12905Leu (NM_133432.3); c.38915C>T, p.Pro12972Leu (NM_133437.4); c.60611C>T, p.Pro20204Leu (NM_001256850.1); c.38339C>T, p.Pro12780Leu (NM_003319.4); c.57830C>T, p.Pro19277Leu (NM_133378.4); short protein forms P19277L, P21845L, P20204L, P12780L, P12905L, P12972L.
Identifiers: ClinVar variation 178200 (VCV000178200.80), dbSNP rs201662134, ClinGen allele CA181757.
Genomic context (GRCh38, chr2:178,583,648, plus strand): 5'-ATACTCAGCAGAATCTTACCATTTTCTGCGAGGATAGTCACTGGATCAGAAGGTTCAGAA[G>A]GTGGGCTAATGTTTACCGCGGTCCTGGCAATAGCTCTAAATTGATACTGAGCTTTCTCTT-3'
Protein context (NP_001254479.2, residues 21835-21855): IARTAVNISP[Pro21845Leu]SEPSDPVTIL

ClinVar aggregate classification (germline): Conflicting classifications of pathogenicity. Review status: criteria provided, conflicting classifications (1 of 4 stars). 15 submissions from 11 submitters: Uncertain significance (7); Benign (4); Likely benign (3). 1 of the submissions does not count toward it. Last evaluated 2026-02-03.

Conditions:
TTN-related disorder. Also called: TTN-related disorders; TTN-related condition; TTN-related disease.
Cardiovascular phenotype. Identifiers: MedGen CN230736.
Dilated cardiomyopathy 1G (CMD1G). Identifiers: Orphanet 154, MedGen C1858763, MONDO:0011400, OMIM 604145.
Autosomal recessive limb-girdle muscular dystrophy type 2J (LGMDR10). Also called: Limb-girdle muscular dystrophy, type 2J; MUSCULAR DYSTROPHY, LIMB-GIRDLE, AUTOSOMAL RECESSIVE 10. Identifiers: Orphanet 140922, MedGen C1837342, MONDO:0012127, OMIM 608807.
Myopathy, myofibrillar, 9, with early respiratory failure (MFM9). Also called: Hereditary myopathy with early respiratory failure; MYOPATHY, PROXIMAL, WITH EARLY RESPIRATORY MUSCLE INVOLVEMENT; EDSTROM MYOPATHY; Myopathy, distal, with early respiratory failure, autosomal dominant. Identifiers: Orphanet 178464, Orphanet 34521, MedGen C1863599, MONDO:0011362, OMIM 603689.
Early-onset myopathy with fatal cardiomyopathy (CMYO5). Also called: CONGENITAL MYOPATHY 5 WITH CARDIOMYOPATHY; Salih Myopathy. Identifiers: Orphanet 289377, MedGen C2673677, MONDO:0012714, OMIM 611705. Disease mechanism: loss of function.
Tibial muscular dystrophy (TMD). Also called: UDD MYOPATHY; Tibial muscular dystrophy, tardive; Udd Distal Myopathy – Tibial Muscular Dystrophy. Identifiers: Orphanet 609, MedGen C1838244, MONDO:0010870, OMIM 600334.
Hypertrophic cardiomyopathy. Also called: HYPERTROPHIC MYOCARDIOPATHY. Identifiers: Orphanet 217569, MedGen C0007194, MeSH D002312, MONDO:0005045, HP:0001639.

Allele frequency attached by ClinVar (database versions not stated): 1000 Genomes Project 30x 0.00016; ESP Exome Variant Server 0.00017; gnomAD exomes 0.00024 and 0.00052; gnomAD 0.00026 and 0.00027; TOPMed 0.00031; ExAC 0.00043.
gnomAD v4.1: 417 of 1,611,406 alleles (0.026%); highest among the groups gnomAD compares: Middle Eastern, 0.084%; 1 homozygote.

Submissions (15):

Labcorp Genetics (formerly Invitae), Labcorp
Classification: Benign for Dilated cardiomyopathy 1G; Autosomal recessive limb-girdle muscular dystrophy type 2J. Last evaluated: 2026-02-03. Review status: criteria provided, single submitter. Criteria: Invitae Variant Classification Sherloc (09022015). Collection method: clinical testing. Allele origin: germline.

Blueprint Genetics
Classification: Likely benign. Last evaluated: 2024-10-07. Review status: criteria provided, single submitter. Criteria: ACMG Guidelines, 2015. Collection method: clinical testing. Allele origin: germline.

CeGaT Center for Human Genetics Tuebingen
Classification: Uncertain significance. Last evaluated: 2024-01-01. Review status: criteria provided, single submitter. Criteria: CeGaT Center For Human Genetics Tuebingen Variant Classification Criteria Version 2. Collection method: clinical testing. Allele origin: germline. Affected: yes. Observed: 2 variant alleles.

Mayo Clinic Laboratories, Mayo Clinic
Classification: Uncertain significance. Last evaluated: 2019-05-12. Review status: criteria provided, single submitter. Criteria: ACMG Guidelines, 2015. Collection method: clinical testing. Allele origin: germline. Observed: 1 variant allele.

GeneDx
Classification: Likely benign. Last evaluated: 2018-01-22. Review status: criteria provided, single submitter. Criteria: GeneDx Variant Classification (06012015). Collection method: clinical testing. Allele origin: germline. Affected: yes.
Comment: This variant is considered likely benign or benign based on one or more of the following criteria: it is a conservative change, it occurs at a poorly conserved position in the protein, it is predicted to be benign by multiple in silico algorithms, and/or has population frequency not consistent with disease.

Illumina Laboratory Services, Illumina
Classification: Benign for Myopathy, myofibrillar, 9, with early respiratory failure. Last evaluated: 2018-01-13. Review status: criteria provided, single submitter. Criteria: ICSL Variant Classification Criteria 13 December 2019. Collection method: clinical testing. Allele origin: germline.
Comment: This variant was observed in the ICSL laboratory as part of a predisposition screen in an ostensibly healthy population. It had not been previously curated by ICSL or reported in the Human Gene Mutation Database (HGMD: prior to June 1st, 2018), and was therefore a candidate for classification through an automated scoring system. Utilizing variant allele frequency, disease prevalence and penetrance estimates, and inheritance mode, an automated score was calculated to assess if this variant is too frequent to cause the disease. Based on the score and internal cut-off values, a variant classified as benign is not then subjected to further curation. The score for this variant resulted in a classification of benign for this disease.

Illumina Laboratory Services, Illumina
Classification: Uncertain significance for Autosomal recessive limb-girdle muscular dystrophy type 2J. Last evaluated: 2018-01-13. Review status: criteria provided, single submitter. Criteria: ICSL Variant Classification Criteria 13 December 2019. Collection method: clinical testing. Allele origin: germline.

Illumina Laboratory Services, Illumina
Classification: Uncertain significance for Early-onset myopathy with fatal cardiomyopathy. Last evaluated: 2018-01-13. Review status: criteria provided, single submitter. Criteria: ICSL Variant Classification Criteria 13 December 2019. Collection method: clinical testing. Allele origin: germline.

Illumina Laboratory Services, Illumina
Classification: Uncertain significance for Dilated cardiomyopathy 1G. Last evaluated: 2018-01-13. Review status: criteria provided, single submitter. Criteria: ICSL Variant Classification Criteria 13 December 2019. Collection method: clinical testing. Allele origin: germline.

Illumina Laboratory Services, Illumina
Classification: Benign for Tibial muscular dystrophy. Last evaluated: 2018-01-13. Review status: criteria provided, single submitter. Criteria: ICSL Variant Classification Criteria 13 December 2019. Collection method: clinical testing. Allele origin: germline.
Comment: the same text as in the submission from Illumina Laboratory Services, Illumina above.

Ambry Genetics
Classification: Benign for Cardiovascular phenotype. Last evaluated: 2017-12-08. Review status: criteria provided, single submitter. Criteria: Ambry Variant Classification Scheme 2023. Collection method: clinical testing. Allele origin: germline.

Eurofins Ntd Llc (ga)
Classification: Uncertain significance. Last evaluated: 2016-09-16. Review status: criteria provided, single submitter. Criteria: EGL Classification Definitions 2015. Collection method: clinical testing. Allele origin: germline. Observed: 4 variant alleles, 4 heterozygotes.

Laboratory for Molecular Medicine, Mass General Brigham Personalized Medicine
Classification: Uncertain significance. Last evaluated: 2015-08-11. Review status: criteria provided, single submitter. Criteria: LMM Criteria. Collection method: clinical testing. Allele origin: germline. Observed: 2 variant alleles.
Comment: It has also been identified in 0.1% (45/61534) of European chromosomes by the Exome Aggregation Consortium (ExAC.; dbSNP rs201662134). Computational prediction tools and conse rvation analysis suggest that this variant may impact the protein, though this i nformation is not predictive enough to determine pathogenicity. In summary, the clinical significance of the p.Pro19277Leu variant is uncertain.

Genetics and Genomics Program, Sidra Medicine
Classification: Likely benign for Hypertrophic cardiomyopathy. Review status: criteria provided, single submitter. Criteria: ACMG Guidelines, 2015. Collection method: research. Allele origin: unknown. Affected: yes. Observed: 1 variant allele.

PreventionGenetics, part of Exact Sciences
Classification: Benign for TTN-related condition. Last evaluated: 2020-01-20. Review status: no assertion criteria provided. Collection method: clinical testing. Allele origin: germline. Not counted in ClinVar's aggregate classification.
Comment: This variant is classified as benign based on ACMG/AMP sequence variant interpretation guidelines (Richards et al. 2015 PMID: 25741868, with internal and published modifications).